The following is an entry in ClinVar:

ClinVar aggregate classification (germline): Conflicting classifications of pathogenicity. Review status: criteria provided, conflicting classifications (1 of 4 stars). 2 submissions from 2 submitters: Likely pathogenic (1); Uncertain significance (1). Last evaluated 2025-01-17.

Conditions:
Phosphoenolpyruvate carboxykinase deficiency, mitochondrial. Also called: PCK2 DEFICIENCY; PEPCK2 DEFICIENCY. Identifiers: Orphanet 2880, MedGen C1849821, MONDO:0009864, OMIM 261650.

gnomAD v4.1: 88 of 1,613,970 alleles (0.0055%); highest among the groups gnomAD compares: Non-Finnish European, 0.0069%; no homozygotes.

Submissions (2):

First Genomix Gene Laboratory, Genetic Diagnostics Department
Classification: Likely pathogenic for Phosphoenolpyruvate carboxykinase deficiency, mitochondrial. Last evaluated: 2025-01-17. Review status: criteria provided, single submitter. Criteria: ACMG Guidelines, 2015. Collection method: clinical testing. Allele origin: germline. Inheritance: Autosomal recessive inheritance. Affected: no. Observed: 1 variant allele.

Department of Pathology and Laboratory Medicine, Sinai Health System
Classification: Uncertain significance for Phosphoenolpyruvate carboxykinase deficiency, mitochondrial. Last evaluated: 2022-11-29. Review status: criteria provided, single submitter. Criteria: ACMG Guidelines, 2015. Collection method: research. Allele origin: germline.

NM_004563.4(PCK2):c.1018C>T (p.Arg340Ter)

Genes: NRL (neural retina leucine zipper; minus strand), PCK2 (phosphoenolpyruvate carboxykinase 2, mitochondrial; plus strand). Cytogenetic location: 14q11.2.
Variant type: single nucleotide variant.
Coding change: c.1018C>T on transcript NM_004563.4 (MANE Select); coding-DNA position 1018, C replaced by T.
Protein change: p.Arg340Ter; replaces arginine 340 with a stop codon.
Molecular consequence: nonsense. On other transcripts: intron variant (3).
Genome position (GRCh38, 1-based): chr14:24,099,997, C>T. VCF-style: chr14-24099997-C-T. GRCh37 (hg19) VCF-style: chr14-24569206-C-T.
Other names: c.1018C>T, p.Arg340Ter (NM_001018073.3); c.616C>T, p.Arg206Ter (NM_001291556.2, NM_001308054.2); c.-28+14725G>A (NM_001354768.3, NM_001354770.2); c.-254+14725G>A (NM_006177.5); short protein forms R206*, R340*.
Identifiers: ClinVar variation 3891919 (VCV003891919.2).